The following is an entry in ClinVar:

ClinVar aggregate classification (germline): Uncertain significance. Review status: criteria provided, multiple submitters, no conflicts (2 of 4 stars). 3 submissions from 3 submitters: Uncertain significance (3). Last evaluated 2024-03-06.

Conditions:
Hereditary cancer-predisposing syndrome. Also called: Neoplastic Syndromes, Hereditary; Tumor predisposition; Hereditary neoplastic syndrome; Hereditary Cancer Syndrome. Identifiers: Orphanet 140162, MedGen C0027672, MeSH D009386, MONDO:0015356.
Familial cancer of breast. Also called: BREAST CANCER, FAMILIAL; Hereditary breast cancer; hereditary breast carcinoma. Identifiers: Orphanet 227535, MedGen C0346153, MONDO:0016419, OMIM 114480. Disease mechanism: loss of function.

gnomAD v4.1: 2 of 1,614,166 alleles (0.00012%); highest among the groups gnomAD compares: South Asian, 0.0011%; no homozygotes.

Submissions (3):

Color Diagnostics, LLC DBA Color Health
Classification: Uncertain significance for Hereditary cancer-predisposing syndrome. Last evaluated: 2024-03-06. Review status: criteria provided, single submitter. Criteria: ACMG Guidelines, 2015. Collection method: clinical testing. Allele origin: germline.
Comment: This missense variant replaces asparagine with histidine at codon 326 of the BARD1 protein. Computational prediction suggests that this variant may not impact protein structure and function (internally defined REVEL score threshold <= 0.5, PMID: 27666373). To our knowledge, functional studies have not been reported for this variant. This variant has not been reported in individuals affected with hereditary cancer in the literature. This variant has not been identified in the general population by the Genome Aggregation Database (gnomAD). The available evidence is insufficient to determine the role of this variant in disease conclusively. Therefore, this variant is classified as a Variant of Uncertain Significance.

Labcorp Genetics (formerly Invitae), Labcorp
Classification: Uncertain significance for Familial cancer of breast. Last evaluated: 2023-08-02. Review status: criteria provided, single submitter. Criteria: Invitae Variant Classification Sherloc (09022015). Collection method: clinical testing. Allele origin: germline.
Comment: In summary, the available evidence is currently insufficient to determine the role of this variant in disease. Therefore, it has been classified as a Variant of Uncertain Significance. Algorithms developed to predict the effect of missense changes on protein structure and function output the following: SIFT: "Not Available"; PolyPhen-2: "Benign"; Align-GVGD: "Not Available". The histidine amino acid residue is found in multiple mammalian species, which suggests that this missense change does not adversely affect protein function. ClinVar contains an entry for this variant (Variation ID: 568468). This variant has not been reported in the literature in individuals affected with BARD1-related conditions. This variant is not present in population databases (gnomAD no frequency). This sequence change replaces asparagine, which is neutral and polar, with histidine, which is basic and polar, at codon 326 of the BARD1 protein (p.Asn326His).

Ambry Genetics
Classification: Uncertain significance for Hereditary cancer-predisposing syndrome. Last evaluated: 2022-10-30. Review status: criteria provided, single submitter. Criteria: Ambry Variant Classification Scheme 2023. Collection method: clinical testing. Allele origin: germline.
Comment: The p.N326H variant (also known as c.976A>C), located in coding exon 4 of the BARD1 gene, results from an A to C substitution at nucleotide position 976. The asparagine at codon 326 is replaced by histidine, an amino acid with similar properties. This amino acid position is conserved. In addition, this alteration is predicted to be tolerated by in silico analysis. Since supporting evidence is limited at this time, the clinical significance of this alteration remains unclear.

NM_000465.4(BARD1):c.976A>C (p.Asn326His)

Gene: BARD1 (BRCA1 associated RING domain 1; minus strand). Cytogenetic location: 2q35.
Variant type: single nucleotide variant.
Coding change: c.976A>C on transcript NM_000465.4 (MANE Select); coding-DNA position 976, A replaced by C.
Protein change: p.Asn326His; replaces asparagine 326 with histidine.
Molecular consequence: missense variant. On other transcripts: non-coding transcript variant (2), intron variant (3).
Genome position (GRCh38, 1-based): chr2:214,780,898, T>G on the plus strand (A>C on the coding strand, the complement: BARD1 is on the minus strand). VCF-style: chr2-214780898-T-G. GRCh37 (hg19) VCF-style: chr2-215645622-T-G.
Other names: c.919A>C, p.Asn307His (NM_001282543.2); c.159-28343A>C (NM_001282548.2); c.215+16163A>C (NM_001282545.2); c.364+11399A>C (NM_001282549.2); c.976A>C (NM_000465.2); short protein forms N326H, N307H.
Identifiers: ClinVar variation 568468 (VCV000568468.15), dbSNP rs587780038, ClinGen allele CA350454597.